The following is an entry in ClinVar:

NM_000188.3(HK1):c.1894G>A (p.Asp632Asn)

Gene: HK1 (hexokinase 1; plus strand). Cytogenetic location: 10q22.1.
Variant type: single nucleotide variant.
Coding change: c.1894G>A on transcript NM_000188.3 (MANE Select); coding-DNA position 1894, G replaced by A.
Protein change: p.Asp632Asn; replaces aspartic acid 632 with asparagine.
Molecular consequence: missense variant.
Genome position (GRCh38, 1-based): chr10:69,386,377, G>A. VCF-style: chr10-69386377-G-A. GRCh37 (hg19) VCF-style: chr10-71146133-G-A.
Other names: c.1906G>A, p.Asp636Asn (NM_001322364.2, NM_001358263.1, NM_033497.3 and 1 more transcripts); c.1999G>A, p.Asp667Asn (NM_001322365.2); c.1810G>A, p.Asp604Asn (NM_001322366.1); c.1798G>A, p.Asp600Asn (NM_001322367.1); c.1891G>A, p.Asp631Asn (NM_033496.3); c.1858G>A, p.Asp620Asn (NM_033500.2); short protein forms D604N, D632N, D667N, D620N, D631N, D636N, D600N.
Identifiers: ClinVar variation 1951577 (VCV001951577.7), dbSNP rs367984091, ClinGen allele CA209213972.

ClinVar aggregate classification (germline): Uncertain significance. Review status: criteria provided, multiple submitters, no conflicts (2 of 4 stars). 2 submissions from 2 submitters: Uncertain significance (2). Last evaluated 2026-01-07.

Allele frequency attached by ClinVar (database versions not stated): ESP Exome Variant Server 0.00008.
gnomAD v4.1: 6 of 1,614,056 alleles (0.00037%); highest among the groups gnomAD compares: South Asian, 0.0033%; no homozygotes.

Submissions (2):

Dasa
Classification: Uncertain significance. Last evaluated: 2026-01-07. Review status: criteria provided, single submitter. Criteria: DASA Assertion Criteria. Collection method: clinical testing. Allele origin: germline.
Comment: NM_000188.3(HK1):c.1894G>A (p.Asp632Asn) is a missense variant that results in the substitution of aspartic acid with asparagine. This variant is rare in population databases. Computational prediction algorithms are consistent with a deleterious effect. The currently available literature and clinical evidence are not sufficient to establish a definitive association between this variant and the reported condition. Therefore, this variant is classified as a variant of uncertain significance.

Labcorp Genetics (formerly Invitae), Labcorp
Classification: Uncertain significance. Last evaluated: 2022-04-24. Review status: criteria provided, single submitter. Criteria: Invitae Variant Classification Sherloc (09022015). Collection method: clinical testing. Allele origin: germline.
Comment: This variant is present in population databases (rs367984091, gnomAD 0.003%). In summary, the available evidence is currently insufficient to determine the role of this variant in disease. Therefore, it has been classified as a Variant of Uncertain Significance. Algorithms developed to predict the effect of sequence changes on RNA splicing suggest that this variant may disrupt the consensus splice site. Algorithms developed to predict the effect of missense changes on protein structure and function output the following: SIFT: "Deleterious"; PolyPhen-2: "Possibly Damaging"; Align-GVGD: "Class C0". The asparagine amino acid residue is found in multiple mammalian species, which suggests that this missense change does not adversely affect protein function. This variant has not been reported in the literature in individuals affected with HK1-related conditions. This sequence change replaces aspartic acid, which is acidic and polar, with asparagine, which is neutral and polar, at codon 632 of the HK1 protein (p.Asp632Asn).